The following is an entry in ClinVar:

ClinVar aggregate classification (germline): Conflicting classifications of pathogenicity. Review status: criteria provided, conflicting classifications (1 of 4 stars). 21 submissions from 19 submitters: Uncertain significance (3); Benign (12); Likely benign (3). 3 of the submissions do not count toward it. Last evaluated 2026-02-01.

Conditions:
DSP-related disorder. Also called: DSP-related disorders; DSP-related condition.
Cardiovascular phenotype. Identifiers: MedGen CN230736.
Arrhythmogenic cardiomyopathy with wooly hair and keratoderma. Also called: Carvajal syndrome; Dilated cardiomyopathy with woolly hair and keratoderma; PALMOPLANTAR KERATODERMA WITH LEFT VENTRICULAR CARDIOMYOPATHY AND WOOLLY HAIR; Arrhythmogenic cardiomyopathy with woolly hair and keratoderma. Identifiers: Orphanet 65282, MedGen C1854063, MONDO:0011581, OMIM 605676.
Arrhythmogenic right ventricular dysplasia 8 (ARVD8). Also called: Arrhythmogenic Right Ventricular Dysplasia/Cardiomyopathy 8; ARRHYTHMOGENIC RIGHT VENTRICULAR DYSPLASIA, FAMILIAL, 8; ARRHYTHMOGENIC RIGHT VENTRICULAR CARDIOMYOPATHY 8. Identifiers: MedGen C1843896, MONDO:0011831, OMIM 607450.
Cardiomyopathy (CMYO). Also called: Cardiomyopathies. Identifiers: Orphanet 167848, MedGen C0878544, MONDO:0004994, HP:0001638. Inheritance: Various modes of inheritance.
Long QT syndrome (LQTS). Identifiers: MedGen C0023976, MeSH D008133, MONDO:0002442. Disease mechanism: loss of function. Inheritance: Various modes of inheritance.
Arrhythmogenic right ventricular cardiomyopathy (ARVD). Also called: Cardiomyopathy, ARVC; Arrhythmogenic right ventricular dysplasia; Arrhythmogenic cardiomyopathy; Arrhythmogenic Right Ventricular Cardiomyopathy (ARVC). Identifiers: Orphanet 247, MedGen C0349788, MeSH D019571, MONDO:0016587. Disease mechanism: loss of function. Inheritance: Various modes of inheritance.
Lethal acantholytic epidermolysis bullosa (EBLA). Identifiers: Orphanet 158687, MedGen C1864826, MONDO:0012323, OMIM 609638.
Woolly hair-skin fragility syndrome (WHSF). Identifiers: Orphanet 293165, MedGen C1843292, MONDO:0957307, OMIM 620415.

Allele frequency attached by ClinVar (database versions not stated): gnomAD 0.00026 and 0.00051; TOPMed 0.00057; gnomAD exomes 0.00089; ExAC 0.00098; 1000 Genomes Project 30x 0.00312; 1000 Genomes Project 0.00359.
gnomAD v4.1: 863 of 1,614,136 alleles (0.053%); highest among the groups gnomAD compares: East Asian, 1.6%; 8 homozygotes.

Submissions 1 to 15 of 21:

Labcorp Genetics (formerly Invitae), Labcorp
Classification: Benign for Arrhythmogenic cardiomyopathy with wooly hair and keratoderma; Arrhythmogenic right ventricular dysplasia 8. Last evaluated: 2026-02-01. Review status: criteria provided, single submitter. Criteria: Invitae Variant Classification Sherloc (09022015). Collection method: clinical testing. Allele origin: germline.

Molecular Diagnostic Laboratory for Inherited Cardiovascular Disease, Montreal Heart Institute
Classification: Likely benign. Last evaluated: 2025-02-17. Review status: criteria provided, single submitter. Criteria: ACMG Guidelines, 2015. Collection method: clinical testing. Allele origin: germline. Affected: no.

Blueprint Genetics
Classification: Likely benign. Last evaluated: 2024-11-25. Review status: criteria provided, single submitter. Criteria: ACMG Guidelines, 2015. Collection method: clinical testing. Allele origin: germline.

All of Us Research Program, National Institutes of Health
Classification: Benign for Arrhythmogenic cardiomyopathy with wooly hair and keratoderma. Last evaluated: 2024-09-23. Review status: criteria provided, single submitter. Criteria: ACMG Guidelines, 2015. Collection method: clinical testing. Allele origin: germline. Inheritance: Autosomal dominant inheritance. Observed: 94 variant alleles, 93 heterozygotes, 1 homozygote.
Comment: This study involves interpretation of variants in research participants for the purpose of population health screening. Participant phenotype was not available at the time of variant classification. Additional details can be found in publication PMID: 35346344, PMCID: PMC8962531

Dept of Medical Biology, Uskudar University
Classification: Uncertain significance for Long QT syndrome. Last evaluated: 2024-01-08. Review status: criteria provided, single submitter. Criteria: Dept of Medical Biology Variant Classification. Collection method: research. Allele origin: maternal. Affected: yes. Observed: 1 variant allele.
Comment: Criteria: PP3, BS1

CHEO Genetics Diagnostic Laboratory, Children's Hospital of Eastern Ontario
Classification: Benign for Cardiomyopathy. Last evaluated: 2021-10-20. Review status: criteria provided, single submitter. Criteria: ACMG Guidelines, 2015. Collection method: clinical testing. Allele origin: germline.

GeneDx
Classification: Benign. Last evaluated: 2020-09-23. Review status: criteria provided, single submitter. Criteria: GeneDx Variant Classification Process June 2021. Collection method: clinical testing. Allele origin: germline. Affected: yes.
Comment: This variant is associated with the following publications: (PMID: 25693453, 20400443, 26585738, 24125834, 23911551, 20981092, 26332594, 18632414, 28471438, 32344918, 31402444)

Women's Health and Genetics/Laboratory Corporation of America, LabCorp
Classification: Benign. Last evaluated: 2020-08-17. Review status: criteria provided, single submitter. Criteria: LabCorp Variant Classification Summary - May 2015. Collection method: clinical testing. Allele origin: germline.
Comment: Variant summary: DSP c.7916G>A (p.Arg2639Gln) results in a conservative amino acid change located in a plectin repeat (IPR001101) of the encoded protein sequence. Three of five in-silico tools predict a damaging effect of the variant on protein function. The variant allele was found at a frequency of 0.00092 in 252300 control chromosomes, predominantly at a frequency of 0.011 within the East Asian subpopulation in the gnomAD database. The observed variant frequency within East Asian control individuals in the gnomAD database is approximately 1100-fold of the estimated maximal expected allele frequency for a pathogenic variant in DSP causing Arrhythmia phenotype (1e-05), strongly suggesting that the variant is a benign polymorphism found primarily in populations of East Asian origin. c.7916G>A has been reported in the literature in East Asian individuals affected with Arrhythmia (Yu_2008, Bao_2013, Sato_2015, Zhao_2016), but it was also found in several controls (Bao_2013). These reports do not provide unequivocal conclusions about association of the variant with Arrhythmia. At least one publication reports experimental evidence evaluating an impact on protein function, and demonstrated a weak impact on the binding of the DSP C-terminus to the tested intermediate filaments (IF) proteins (Favre_2018). Nine other clinical diagnostic laboratories have submitted clinical-significance assessments for this variant to ClinVar after 2014 without evidence for independent evaluation. Based on the evidence outlined above, the variant was classified as benign.

Mendelics
Classification: Benign for Arrhythmogenic cardiomyopathy with wooly hair and keratoderma. Last evaluated: 2019-05-28. Review status: criteria provided, single submitter. Criteria: Mendelics Assertion Criteria 2017. Collection method: clinical testing. Allele origin: unknown.

Color Diagnostics, LLC DBA Color Health
Classification: Benign for Cardiomyopathy. Last evaluated: 2018-04-26. Review status: criteria provided, single submitter. Criteria: ACMG Guidelines, 2015. Collection method: clinical testing. Allele origin: germline.

Illumina Laboratory Services, Illumina
Classification: Benign for Arrhythmogenic cardiomyopathy with wooly hair and keratoderma. Last evaluated: 2018-03-06. Review status: criteria provided, single submitter. Criteria: ICSL Variant Classification Criteria 13 December 2019. Collection method: clinical testing. Allele origin: germline.
Comment: This variant was observed in the ICSL laboratory as part of a predisposition screen in an ostensibly healthy population. It had not been previously curated by ICSL or reported in the Human Gene Mutation Database (HGMD: prior to June 1st, 2018), and was therefore a candidate for classification through an automated scoring system. Utilizing variant allele frequency, disease prevalence and penetrance estimates, and inheritance mode, an automated score was calculated to assess if this variant is too frequent to cause the disease. Based on the score and internal cut-off values, a variant classified as benign is not then subjected to further curation. The score for this variant resulted in a classification of benign for this disease.

Illumina Laboratory Services, Illumina
Classification: Likely benign for Arrhythmogenic right ventricular dysplasia 8. Last evaluated: 2018-03-06. Review status: criteria provided, single submitter. Criteria: ICSL Variant Classification Criteria 13 December 2019. Collection method: clinical testing. Allele origin: germline.
Comment: This variant was observed in the ICSL laboratory as part of a predisposition screen in an ostensibly healthy population. It had not been previously curated by ICSL or reported in the Human Gene Mutation Database (HGMD: prior to June 1st, 2018), and was therefore a candidate for classification through an automated scoring system. Utilizing variant allele frequency, disease prevalence and penetrance estimates, and inheritance mode, an automated score was calculated to assess if this variant is too frequent to cause the disease. Based on the score and internal cut-off values, a variant classified as likely benign is not then subjected to further curation. The score for this variant resulted in a classification of likely benign for this disease.

Illumina Laboratory Services, Illumina
Classification: Benign for Lethal acantholytic epidermolysis bullosa. Last evaluated: 2018-03-06. Review status: criteria provided, single submitter. Criteria: ICSL Variant Classification Criteria 13 December 2019. Collection method: clinical testing. Allele origin: germline.
Comment: the same text as in the submission from Illumina Laboratory Services, Illumina above.

Ambry Genetics
Classification: Benign for Cardiovascular phenotype. Last evaluated: 2016-09-26. Review status: criteria provided, single submitter. Criteria: Ambry Variant Classification Scheme 2023. Collection method: clinical testing. Allele origin: germline.

Soonchunhyang University Bucheon Hospital, Soonchunhyang University Medical Center
Classification: Uncertain significance for Arrhythmogenic right ventricular dysplasia 8. Last evaluated: 2016-03-18. Review status: criteria provided, single submitter. Criteria: ACMG Guidelines, 2015. Collection method: reference population. Allele origin: germline. Observed: 2 variant alleles.

NM_004415.4(DSP):c.7916G>A (p.Arg2639Gln)

Gene: DSP (desmoplakin; plus strand). Cytogenetic location: 6p24.3.
Variant type: single nucleotide variant.
Coding change: c.7916G>A on transcript NM_004415.4 (MANE Select); coding-DNA position 7916, G replaced by A.
Protein change: p.Arg2639Gln; replaces arginine 2639 with glutamine.
Molecular consequence: missense variant.
Genome position (GRCh38, 1-based): chr6:7,585,178, G>A. VCF-style: chr6-7585178-G-A. GRCh37 (hg19) VCF-style: chr6-7585411-G-A.
Other names: p.R2639Q:CGG>CAG; c.6119G>A, p.Arg2040Gln (NM_001008844.3); c.6587G>A, p.Arg2196Gln (NM_001319034.2); short protein forms R2639Q, R2196Q, R2040Q.
Identifiers: ClinVar variation 163287 (VCV000163287.42), dbSNP rs116888866, ClinGen allele CA007320.